The following is an entry in ClinVar:

NM_001940.4(ATN1):c.487C>G (p.Pro163Ala)

Gene: ATN1 (atrophin 1; plus strand). Cytogenetic location: 12p13.31.
Variant type: single nucleotide variant.
Coding change: c.487C>G on transcript NM_001940.4 (MANE Select); coding-DNA position 487, C replaced by G.
Protein change: p.Pro163Ala; replaces proline 163 with alanine.
Molecular consequence: missense variant.
Genome position (GRCh38, 1-based): chr12:6,935,754, C>G. VCF-style: chr12-6935754-C-G. GRCh37 (hg19) VCF-style: chr12-7044917-C-G.
Other names: c.487C>G, p.Pro163Ala (NM_001007026.2, NM_001424176.1, NM_001424177.1 and 1 more transcripts); c.484C>G, p.Pro162Ala (NM_001424179.1, NM_001424180.1); short protein forms P162A, P163A.
Identifiers: ClinVar variation 4856888 (VCV004856888.2).
Genomic context (GRCh38, chr12:6,935,754, plus strand): 5'-AATGACTCTGACTCATCTTCTGGCCTGTCCCAGGGCCCAGCCCGCCCCTACCACCCACCT[C>G]CACTCTTTCCTCCTTCCCCTCAACCGCCAGACAGCACCCCTCGACAGCCAGAGGCTAGCT-3'
Protein context (NP_001931.2, residues 153-173): QGPARPYHPP[Pro163Ala]LFPPSPQPPD

ClinVar aggregate classification (germline): Uncertain significance (1 of 4 stars; one submission).

Submission:

Dasa
Classification: Uncertain significance. Last evaluated: 2026-04-21. Review status: criteria provided, single submitter. Criteria: DASA Assertion Criteria. Collection method: clinical testing. Allele origin: germline.
Comment: NM_001940.4(ATN1):c.487C>G (p.Pro163Ala) is a missense variant that results in the substitution of proline with alanine. This variant is rare in population databases. The currently available literature and clinical evidence are not sufficient to establish a definitive association between this variant and the reported condition. Therefore, this variant is classified as a variant of uncertain significance.